The following is an entry in ClinVar:

NM_020998.4(MST1):c.1951C>T (p.Arg651Ter)

Gene: MST1 (macrophage stimulating 1; minus strand). Cytogenetic location: 3p21.31.
Variant type: single nucleotide variant.
Coding change: c.1951C>T on transcript NM_020998.4 (MANE Select); coding-DNA position 1951, C replaced by T.
Protein change: p.Arg651Ter; replaces arginine 651 with a stop codon.
Molecular consequence: nonsense. On other transcripts: non-coding transcript variant (1).
Genome position (GRCh38, 1-based): chr3:49,684,379, G>A on the plus strand (C>T on the coding strand, the complement: MST1 is on the minus strand). VCF-style: chr3-49684379-G-A. GRCh37 (hg19) VCF-style: chr3-49721812-G-A.
Other names: c.1651C>T, p.Arg551Ter (NM_001393585.1); c.1987C>T, p.Arg663Ter (NM_001393581.1); c.1951C>T, p.Arg651Ter (NM_001393582.1); c.1861C>T, p.Arg621Ter (NM_001393583.1); c.1816C>T, p.Arg606Ter (NM_001393584.1); short protein forms R551*, R606*, R621*, R651*, R663*.
Identifiers: ClinVar variation 2653841 (VCV002653841.24), dbSNP rs142690032, ClinGen allele CA2402480.

ClinVar aggregate classification (germline): Benign (1 of 4 stars; one submission).

Allele frequency attached by ClinVar (database versions not stated): 1000 Genomes Project 30x 0.00437; 1000 Genomes Project 0.00479; TOPMed 0.00841; gnomAD 0.00856; ESP Exome Variant Server 0.00976; ExAC 0.01137.

Submission:

CeGaT Center for Human Genetics Tuebingen
Classification: Benign. Last evaluated: 2026-09-01. Review status: criteria provided, single submitter. Criteria: CeGaT Center For Human Genetics Tuebingen Variant Classification Criteria Version 2. Collection method: clinical testing. Allele origin: germline. Affected: yes. Observed: 23 variant alleles.
Comment: MST1: BS1, BS2